The following is an entry in ClinVar:

NM_001378778.1(MPDZ):c.1190A>T (p.Asp397Val)

Gene: MPDZ (multiple PDZ domain crumbs cell polarity complex component; minus strand). Cytogenetic location: 9p23.
Variant type: single nucleotide variant.
Coding change: c.1190A>T on transcript NM_001378778.1 (MANE Select); coding-DNA position 1190, A replaced by T.
Protein change: p.Asp397Val; replaces aspartic acid 397 with valine.
Molecular consequence: missense variant.
Genome position (GRCh38, 1-based): chr9:13,217,191, T>A on the plus strand (A>T on the coding strand, the complement: MPDZ is on the minus strand). VCF-style: chr9-13217191-T-A. GRCh37 (hg19) VCF-style: chr9-13217190-T-A.
Other names: c.1190A>T, p.Asp397Val (NM_001261406.2, NM_001261407.2, NM_001330637.2 and 14 more transcripts); short protein forms D397V.
Identifiers: ClinVar variation 1967093 (VCV001967093.2), dbSNP rs755709343, ClinGen allele CA4987871.

ClinVar aggregate classification (germline): Uncertain significance (1 of 4 stars; one submission).

Allele frequency attached by ClinVar (database versions not stated): gnomAD exomes below 0.00001; ExAC 0.00003.
gnomAD v4.1: 3 of 1,581,714 alleles (0.00019%); highest among the groups gnomAD compares: Non-Finnish European, 0.00026%; no homozygotes.

Submission:

Labcorp Genetics (formerly Invitae), Labcorp
Classification: Uncertain significance. Last evaluated: 2022-05-06. Review status: criteria provided, single submitter. Criteria: Invitae Variant Classification Sherloc (09022015). Collection method: clinical testing. Allele origin: germline.
Comment: This sequence change replaces aspartic acid, which is acidic and polar, with valine, which is neutral and non-polar, at codon 397 of the MPDZ protein (p.Asp397Val). This variant is present in population databases (rs755709343, gnomAD 0.002%). This variant has not been reported in the literature in individuals affected with MPDZ-related conditions. Algorithms developed to predict the effect of missense changes on protein structure and function (SIFT, PolyPhen-2, Align-GVGD) all suggest that this variant is likely to be disruptive. In summary, the available evidence is currently insufficient to determine the role of this variant in disease. Therefore, it has been classified as a Variant of Uncertain Significance.